The following is an entry in ClinVar:

ClinVar aggregate classification (germline): Uncertain significance. Review status: criteria provided, multiple submitters, no conflicts (2 of 4 stars). 2 submissions from 2 submitters: Uncertain significance (2). Last evaluated 2026-09-01.

Conditions:
Parathyroid carcinoma (PRTC). Also called: Parathyroid gland carcinoma; CDC73-Related Parathyroid Carcinoma. Identifiers: Orphanet 143, MedGen C0687150, MONDO:0012004, OMIM 608266, HP:0006780.
Hereditary cancer-predisposing syndrome. Also called: Tumor predisposition; Hereditary Cancer Syndrome; Hereditary neoplastic syndrome; Neoplastic Syndromes, Hereditary. Identifiers: Orphanet 140162, MedGen C0027672, MeSH D009386, MONDO:0015356.

Submissions (2):

Ambry Genetics
Classification: Uncertain significance for Hereditary cancer-predisposing syndrome. Last evaluated: 2026-09-01. Review status: criteria provided, single submitter. Criteria: Ambry Variant Classification Scheme 2023. Collection method: clinical testing. Allele origin: germline.
Comment: The p.K378E variant (also known as c.1132A>G), located in coding exon 13 of the CDC73 gene, results from an A to G substitution at nucleotide position 1132. The lysine at codon 378 is replaced by glutamic acid, an amino acid with similar properties. This amino acid position is conserved. In addition, this alteration is predicted to be deleterious by in silico analysis. Based on the available evidence, the clinical significance of this variant remains unclear.

Labcorp Genetics (formerly Invitae), Labcorp
Classification: Uncertain significance for Parathyroid carcinoma. Last evaluated: 2020-10-21. Review status: criteria provided, single submitter. Criteria: Invitae Variant Classification Sherloc (09022015). Collection method: clinical testing. Allele origin: germline.
Comment: In summary, the available evidence is currently insufficient to determine the role of this variant in disease. Therefore, it has been classified as a Variant of Uncertain Significance. Algorithms developed to predict the effect of sequence changes on RNA splicing suggest that this variant may create or strengthen a splice site, but this prediction has not been confirmed by published transcriptional studies. Algorithms developed to predict the effect of missense changes on protein structure and function are either unavailable or do not agree on the potential impact of this missense change (SIFT: "Deleterious"; PolyPhen-2: "Probably Damaging"; Align-GVGD: "Class C0"). This variant has not been reported in the literature in individuals with CDC73-related conditions. This variant is not present in population databases (ExAC no frequency). This sequence change replaces lysine with glutamic acid at codon 378 of the CDC73 protein (p.Lys378Glu). The lysine residue is highly conserved and there is a small physicochemical difference between lysine and glutamic acid.

NM_024529.5(CDC73):c.1132A>G (p.Lys378Glu)

Gene: CDC73 (cell division cycle 73; plus strand). Cytogenetic location: 1q31.2.
Variant type: single nucleotide variant.
Coding change: c.1132A>G on transcript NM_024529.5 (MANE Select); coding-DNA position 1132, A replaced by G.
Protein change: p.Lys378Glu; replaces lysine 378 with glutamic acid.
Molecular consequence: missense variant.
Genome position (GRCh38, 1-based): chr1:193,212,455, A>G. VCF-style: chr1-193212455-A-G. GRCh37 (hg19) VCF-style: chr1-193181585-A-G.
Other names: c.1132A>G (NM_024529.4); short protein forms K378E.
Identifiers: ClinVar variation 1039007 (VCV001039007.10), dbSNP rs1677295923, ClinGen allele CA344077645.
Genomic context (GRCh38, chr1:193,212,455, plus strand): 5'-CGAACACCCATTATCATAATTCCTGCAGCTACCACCTCTTTAATAACCATGCTTAATGCA[A>G]AAGACCTTCTACAGGACCTGAAGTAAGTAATTTATTAAACTATCCTGTACGTAGGATATT-3'
Protein context (NP_078805.3, residues 368-388): TTSLITMLNA[Lys378Glu]DLLQDLKFVP